The following is an entry in ClinVar:

NM_014844.5(TECPR2):c.1610T>C (p.Val537Ala)

Gene: TECPR2 (tectonin beta-propeller repeat containing 2; plus strand). Cytogenetic location: 14q32.31.
Variant type: single nucleotide variant.
Coding change: c.1610T>C on transcript NM_014844.5 (MANE Select); coding-DNA position 1610, T replaced by C.
Protein change: p.Val537Ala; replaces valine 537 with alanine.
Molecular consequence: missense variant.
Genome position (GRCh38, 1-based): chr14:102,434,427, T>C. VCF-style: chr14-102434427-T-C. GRCh37 (hg19) VCF-style: chr14-102900764-T-C.
Other names: c.1610T>C (NM_014844.3); c.1610T>C, p.Val537Ala (NM_001172631.3); short protein forms V537A.
Identifiers: ClinVar variation 1979202 (VCV001979202.3), dbSNP rs377331992, ClinGen allele CA7357759.

ClinVar aggregate classification (germline): Uncertain significance. Review status: criteria provided, multiple submitters, no conflicts (2 of 4 stars). 2 submissions from 2 submitters: Uncertain significance (2). Last evaluated 2023-09-14.

Conditions:
Hereditary spastic paraplegia 49 (HSAN9). Also called: TECPR2-Related Hereditary Sensory and Autonomic Neuropathy with Intellectual Disability; NEUROPATHY, HEREDITARY SENSORY AND AUTONOMIC, TYPE IX, WITH DEVELOPMENTAL DELAY; Spastic paraplegia 49, autosomal recessive. Identifiers: Orphanet 320385, MedGen C5190860, MONDO:0014016, OMIM 615031.
Inborn genetic diseases. Identifiers: MedGen C0950123, MeSH D030342.

Allele frequency attached by ClinVar (database versions not stated): ExAC 0.00003; TOPMed 0.00004; gnomAD 0.00005; gnomAD exomes 0.00008; ESP Exome Variant Server 0.00015.
gnomAD v4.1: 121 of 1,531,822 alleles (0.0079%); highest among the groups gnomAD compares: Non-Finnish European, 0.0097%; no homozygotes.

Submissions (2):

Ambry Genetics
Classification: Uncertain significance for Inborn genetic diseases. Last evaluated: 2023-09-14. Review status: criteria provided, single submitter. Criteria: Ambry Variant Classification Scheme 2023. Collection method: clinical testing. Allele origin: germline.

Labcorp Genetics (formerly Invitae), Labcorp
Classification: Uncertain significance for Hereditary spastic paraplegia 49. Last evaluated: 2021-09-02. Review status: criteria provided, single submitter. Criteria: Invitae Variant Classification Sherloc (09022015). Collection method: clinical testing. Allele origin: germline.
Comment: This sequence change replaces valine with alanine at codon 537 of the TECPR2 protein (p.Val537Ala). The valine residue is weakly conserved and there is a small physicochemical difference between valine and alanine. This variant is present in population databases (rs377331992, ExAC 0.005%). This variant has not been reported in the literature in individuals affected with TECPR2-related conditions. Algorithms developed to predict the effect of missense changes on protein structure and function output the following: SIFT: "Tolerated"; PolyPhen-2: "Benign"; Align-GVGD: "Class C0". The alanine amino acid residue is found in multiple mammalian species, which suggests that this missense change does not adversely affect protein function. In summary, the available evidence is currently insufficient to determine the role of this variant in disease. Therefore, it has been classified as a Variant of Uncertain Significance.